The following is an entry in ClinVar:

NM_002098.6(GUCA1B):c.596T>C (p.Met199Thr)

Gene: GUCA1B (guanylate cyclase activator 1B; minus strand). Cytogenetic location: 6p21.1.
Variant type: single nucleotide variant.
Coding change: c.596T>C on transcript NM_002098.6 (MANE Select); coding-DNA position 596, T replaced by C.
Protein change: p.Met199Thr; replaces methionine 199 with threonine.
Molecular consequence: missense variant.
Genome position (GRCh38, 1-based): chr6:42,184,822, A>G on the plus strand (T>C on the coding strand, the complement: GUCA1B is on the minus strand). VCF-style: chr6-42184822-A-G. GRCh37 (hg19) VCF-style: chr6-42152560-A-G.
Other names: c.596T>C (NM_002098.5); short protein forms M199T.
Identifiers: ClinVar variation 1461677 (VCV001461677.9), dbSNP rs1408001237, ClinGen allele CA364112024.

ClinVar aggregate classification (germline): Uncertain significance. Review status: criteria provided, multiple submitters, no conflicts (2 of 4 stars). 2 submissions from 2 submitters: Uncertain significance (2). Last evaluated 2023-09-21.

Allele frequency attached by ClinVar (database versions not stated): gnomAD 0.00001; gnomAD exomes 0.00001; TOPMed 0.00001.

Submissions (2):

Ambry Genetics
Classification: Uncertain significance. Last evaluated: 2023-09-21. Review status: criteria provided, single submitter. Criteria: Ambry Variant Classification Scheme 2023. Collection method: clinical testing. Allele origin: germline.

Labcorp Genetics (formerly Invitae), Labcorp
Classification: Uncertain significance. Last evaluated: 2021-02-17. Review status: criteria provided, single submitter. Criteria: Invitae Variant Classification Sherloc (09022015). Collection method: clinical testing. Allele origin: germline.
Comment: In summary, the available evidence is currently insufficient to determine the role of this variant in disease. Therefore, it has been classified as a Variant of Uncertain Significance. Algorithms developed to predict the effect of missense changes on protein structure and function are either unavailable or do not agree on the potential impact of this missense change (SIFT: "Deleterious"; PolyPhen-2: "Benign"; Align-GVGD: "Class C0"). This variant has not been reported in the literature in individuals with GUCA1B-related conditions. This variant is not present in population databases (ExAC no frequency). This sequence change replaces methionine with threonine at codon 199 of the GUCA1B protein (p.Met199Thr). The methionine residue is moderately conserved and there is a moderate physicochemical difference between methionine and threonine.